The following is an entry in ClinVar:

ClinVar aggregate classification (germline): Uncertain significance. Review status: criteria provided, multiple submitters, no conflicts (2 of 4 stars). 3 submissions from 3 submitters: Uncertain significance (3). Last evaluated 2026-01-11.

Conditions:
Hereditary cancer-predisposing syndrome. Also called: Neoplastic Syndromes, Hereditary; Tumor predisposition; Hereditary neoplastic syndrome; Hereditary Cancer Syndrome. Identifiers: Orphanet 140162, MedGen C0027672, MeSH D009386, MONDO:0015356.
Familial adenomatous polyposis 1 (FAP1). Also called: POLYPOSIS, ADENOMATOUS INTESTINAL; FAMILIAL ADENOMATOUS POLYPOSIS 1, ATTENUATED. Identifiers: MedGen C2713442, MONDO:0021056, OMIM 175100. Disease mechanism: loss of function.

Submissions (3):

Labcorp Genetics (formerly Invitae), Labcorp
Classification: Uncertain significance for Familial adenomatous polyposis 1. Last evaluated: 2026-01-11. Review status: criteria provided, single submitter. Criteria: Invitae Variant Classification Sherloc (09022015). Collection method: clinical testing. Allele origin: germline.
Comment: This sequence change replaces valine, which is neutral and non-polar, with leucine, which is neutral and non-polar, at codon 2630 of the APC protein (p.Val2630Leu). This variant is not present in population databases (gnomAD no frequency). This variant has not been reported in the literature in individuals affected with APC-related conditions. ClinVar contains an entry for this variant (Variation ID: 630010). Invitae Evidence Modeling of protein sequence and biophysical properties (such as structural, functional, and spatial information, amino acid conservation, physicochemical variation, residue mobility, and thermodynamic stability) indicates that this missense variant is not expected to disrupt APC protein function with a negative predictive value of 95%. In summary, the available evidence is currently insufficient to determine the role of this variant in disease. Therefore, it has been classified as a Variant of Uncertain Significance.

Ambry Genetics
Classification: Uncertain significance for Hereditary cancer-predisposing syndrome. Last evaluated: 2025-07-06. Review status: criteria provided, single submitter. Criteria: Ambry Variant Classification Scheme 2023. Collection method: clinical testing. Allele origin: germline.
Comment: The p.V2630L variant (also known as c.7888G>C), located in coding exon 15 of the APC gene, results from a G to C substitution at nucleotide position 7888. The valine at codon 2630 is replaced by leucine, an amino acid with highly similar properties. This amino acid position is not well conserved in available vertebrate species. In addition, in silico predictors for this gene do not accurately predict pathogenicity. Missense alterations in APC are not a common cause of disease (Spier I et al. Genet Med. 2024 Feb;26(2):100992). Based on the available evidence, the clinical significance of this variant remains unclear.

Color Diagnostics, LLC DBA Color Health
Classification: Uncertain significance for Hereditary cancer-predisposing syndrome. Last evaluated: 2019-05-31. Review status: criteria provided, single submitter. Criteria: ACMG Guidelines, 2015. Collection method: clinical testing. Allele origin: germline.

NM_000038.6(APC):c.7888G>C (p.Val2630Leu)

Gene: APC (APC regulator of Wnt signaling pathway; plus strand). Cytogenetic location: 5q22.2.
Variant type: single nucleotide variant.
Coding change: c.7888G>C on transcript NM_000038.6 (MANE Select); coding-DNA position 7888, G replaced by C.
Protein change: p.Val2630Leu; replaces valine 2630 with leucine.
Molecular consequence: missense variant.
Genome position (GRCh38, 1-based): chr5:112,843,482, G>C. VCF-style: chr5-112843482-G-C. GRCh37 (hg19) VCF-style: chr5-112179179-G-C.
Other names: c.7834G>C, p.Val2612Leu (NM_001127511.3); c.7888G>C, p.Val2630Leu (NM_001354895.2, NM_001127510.3); c.7804G>C, p.Val2602Leu (NM_001354899.2); c.7942G>C, p.Val2648Leu (NM_001354896.2); c.7918G>C, p.Val2640Leu (NM_001354897.2); c.7813G>C, p.Val2605Leu (NM_001354898.2); c.7765G>C, p.Val2589Leu (NM_001354900.2); c.7711G>C, p.Val2571Leu (NM_001354901.2); and 5 more; short protein forms V2630L, V2612L, V2539L, V2571L, V2470L, V2602L, V2605L, V2648L.
Identifiers: ClinVar variation 630010 (VCV000630010.17), dbSNP rs199688874, ClinGen allele CA16038468.